The following is an entry in ClinVar:

NM_007078.3(LDB3):c.2057dup (p.His688fs)

Gene: LDB3 (LIM domain binding 3; plus strand). Cytogenetic location: 10q23.2.
Variant type: Duplication.
Coding change: c.2057dup on transcript NM_007078.3 (MANE Select); coding-DNA position 2057, one base duplicated (T; older notation c.2057dupT).
Protein change: p.His688fs; shifts the reading frame from histidine 688.
Molecular consequence: frameshift variant.
Genome position (GRCh38, 1-based): chr10:86,726,215, T duplicated. VCF-style (leftmost placement, unchanged base first): chr10-86726214-C-CT. GRCh37 (hg19) VCF-style: chr10-88485971-C-CT.
Other names: c.1727dup, p.His578fs (NM_001080114.2); c.2072dup, p.His693fs (NM_001171610.2); c.1868dup, p.His625fs (NM_001368064.1, NM_001368065.1); c.1916dup, p.His641fs (NM_001368066.1); short protein forms H578fs, H625fs, H641fs, H688fs, H693fs.
Identifiers: ClinVar variation 4724472 (VCV004724472.1).

ClinVar aggregate classification (germline): Uncertain significance (1 of 4 stars; one submission).

Conditions:
Myofibrillar myopathy 4. Also called: Zaspopathy (type). Identifiers: Orphanet 98912, MedGen C4721886, MONDO:0012277, OMIM 609452.

Submission:

Labcorp Genetics (formerly Invitae), Labcorp
Classification: Uncertain significance for Myofibrillar myopathy 4. Last evaluated: 2025-08-04. Review status: criteria provided, single submitter. Criteria: Invitae Variant Classification Sherloc (09022015). Collection method: clinical testing. Allele origin: germline.
Comment: The LDB3 gene has multiple clinically relevant transcripts. This variant occurs in alternate transcript NM_007078.3, and corresponds to NM_001080116.1:c.*26841_*26842insT in the primary transcript. This sequence change is expected to alter the c-terminus of the LDB3 protein (p.His688Profs*49). While this is not anticipated to result in nonsense mediated decay, it is expected to disrupt the last 40 amino acid(s) of the LDB3 protein and extend the protein by 9 additional amino acid residues. This variant is not present in population databases (gnomAD no frequency). This variant has not been reported in the literature in individuals affected with LDB3-related conditions. Experimental studies and prediction algorithms are not available or were not evaluated, and the functional significance of this variant is currently unknown. In summary, the available evidence is currently insufficient to determine the role of this variant in disease. Therefore, it has been classified as a Variant of Uncertain Significance.